The following is an entry in ClinVar:

ClinVar aggregate classification (germline): Likely pathogenic (1 of 4 stars; one submission).

Conditions:
Cardiac valvular defect, developmental (CVDP1). Also called: CARDIAC VALVULAR DYSPLASIA 1. Identifiers: MedGen C5774175, MONDO:0008913, OMIM 212093.

gnomAD v4.1: 3 of 1,607,154 alleles (0.00019%); highest among the groups gnomAD compares: East Asian, 0.0067%; no homozygotes.

Submission:

Juno Genomics, Hangzhou Juno Genomics, Inc
Classification: Likely pathogenic for Cardiac valvular defect, developmental. Review status: criteria provided, single submitter. Criteria: ACMG Guidelines, 2015. Collection method: clinical testing. Allele origin: germline.
Comment: Null variant in a gene where loss of function (LOF) is a known mechanism of disease.;Absent from controls (or at extremely low frequency if recessive) in Genome Aggregation Database.

NM_002662.5(PLD1):c.1227+1G>C

Gene: PLD1 (phospholipase D1; minus strand). Cytogenetic location: 3q26.31.
Variant type: single nucleotide variant.
Coding change: c.1227+1G>C on transcript NM_002662.5 (MANE Select); the canonical splice donor site of the intron after coding-DNA position 1227, G replaced by C.
Molecular consequence: splice donor variant.
Genome position (GRCh38, 1-based): chr3:171,699,744, C>G on the plus strand (G>C on the coding strand, the complement: PLD1 is on the minus strand). VCF-style: chr3-171699744-C-G. GRCh37 (hg19) VCF-style: chr3-171417534-C-G.
Other names: c.1227+1G>C (NM_001130081.3).
Identifiers: ClinVar variation 4880227 (VCV004880227.2).